The following is an entry in ClinVar:

ClinVar aggregate classification (germline): Conflicting classifications of pathogenicity. Review status: criteria provided, conflicting classifications (1 of 4 stars). 6 submissions from 6 submitters: Uncertain significance (3); Likely benign (3). Last evaluated 2026-08-01.

Conditions:
Tuberous sclerosis 2 (TSC2). Identifiers: Orphanet 805, MedGen C1860707, MONDO:0013199, OMIM 613254.
Isolated focal cortical dysplasia type II (FCORD2). Also called: Focal cortical dysplasia type II; CORTICAL DYSPLASIA OF TAYLOR. Identifiers: Orphanet 268994, MedGen C1846385, MONDO:0011818, OMIM 607341, HP:0032051.
Lymphangiomyomatosis (LAM). Also called: Lymphangioleiomyomatosis, somatic; Lymphangioleiomyomatosis. Identifiers: Orphanet 538, MedGen C0751674, MONDO:0011705, OMIM 606690.
Hereditary cancer-predisposing syndrome. Also called: Hereditary neoplastic syndrome; Neoplastic Syndromes, Hereditary; Hereditary Cancer Syndrome; Tumor predisposition. Identifiers: Orphanet 140162, MedGen C0027672, MeSH D009386, MONDO:0015356.

Allele frequency attached by ClinVar (database versions not stated): TOPMed 0.00001; gnomAD 0.00003.
gnomAD v4.1: 14 of 1,613,432 alleles (0.00087%); highest among the groups gnomAD compares: Non-Finnish European, 0.00093%; no homozygotes.

Submissions (6):

CeGaT Center for Human Genetics Tuebingen
Classification: Likely benign. Last evaluated: 2026-08-01. Review status: criteria provided, single submitter. Criteria: CeGaT Center For Human Genetics Tuebingen Variant Classification Criteria Version 2. Collection method: clinical testing. Allele origin: germline. Affected: yes. Observed: 1 variant allele.
Comment: TSC2: BS2

Ambry Genetics
Classification: Uncertain significance for Hereditary cancer-predisposing syndrome. Last evaluated: 2026-03-17. Review status: criteria provided, single submitter. Criteria: Ambry Variant Classification Scheme 2023. Collection method: clinical testing. Allele origin: germline.
Comment: The p.P1517T variant (also known as c.4549C>A), located in coding exon 34 of the TSC2 gene, results from a C to A substitution at nucleotide position 4549. The proline at codon 1517 is replaced by threonine, an amino acid with highly similar properties. This variant was detected as heterozygous in individual(s) with no reported features of tuberous sclerosis complex(Ambry internal data). This amino acid position is highly conserved in available vertebrate species. In addition, this alteration is predicted to be deleterious by in silico analysis. Since supporting evidence is limited at this time, the clinical significance of this alteration remains unclear.

Labcorp Genetics (formerly Invitae), Labcorp
Classification: Likely benign for Tuberous sclerosis 2. Last evaluated: 2025-12-29. Review status: criteria provided, single submitter. Criteria: Invitae Variant Classification Sherloc (09022015). Collection method: clinical testing. Allele origin: germline.

Fulgent Genetics
Classification: Uncertain significance for Lymphangiomyomatosis; Isolated focal cortical dysplasia type II; Tuberous sclerosis 2. Last evaluated: 2024-03-31. Review status: criteria provided, single submitter. Criteria: ACMG Guidelines, 2015. Collection method: clinical testing. Allele origin: germline.

GeneDx
Classification: Uncertain significance. Last evaluated: 2022-09-08. Review status: criteria provided, single submitter. Criteria: GeneDx Variant Classification Process June 2021. Collection method: clinical testing. Allele origin: germline. Affected: yes.
Comment: In silico analysis supports that this missense variant has a deleterious effect on protein structure/function; Has not been previously published as pathogenic or benign to our knowledge

Genome-Nilou Lab
Classification: Likely benign for Tuberous sclerosis 2. Last evaluated: 2021-11-07. Review status: criteria provided, single submitter. Criteria: ACMG Guidelines, 2015. Collection method: clinical testing. Allele origin: germline. Affected: no.

NM_000548.5(TSC2):c.4549C>A (p.Pro1517Thr)

Gene: TSC2 (TSC complex subunit 2; plus strand). Cytogenetic location: 16p13.3.
Variant type: single nucleotide variant.
Coding change: c.4549C>A on transcript NM_000548.5 (MANE Select); coding-DNA position 4549, C replaced by A.
Protein change: p.Pro1517Thr; replaces proline 1517 with threonine.
Molecular consequence: missense variant.
Genome position (GRCh38, 1-based): chr16:2,085,006, C>A. VCF-style: chr16-2085006-C-A. GRCh37 (hg19) VCF-style: chr16-2135007-C-A.
Other names: c.4348C>A, p.Pro1450Thr (NM_001077183.3); c.4480C>A, p.Pro1494Thr (NM_001114382.3); c.4240C>A, p.Pro1414Thr (NM_001318827.2); c.4204C>A, p.Pro1402Thr (NM_001318829.2); c.3817C>A, p.Pro1273Thr (NM_001318831.2); c.4381C>A, p.Pro1461Thr (NM_001318832.2); c.4351C>A, p.Pro1451Thr (NM_001363528.2); c.4417C>A, p.Pro1473Thr (NM_001370404.1); and 1 more; short protein forms P1517T, P1402T, P1414T, P1461T, P1473T, P1494T, P1451T, P1474T.
Identifiers: ClinVar variation 387484 (VCV000387484.23), dbSNP rs1057522800, ClinGen allele CA16606959.
Genomic context (GRCh38, chr16:2,085,006, plus strand): 5'-TGCAGTTTCGTGTTCCTGCAGCTCTACCATTCCCCCTTCTTTGGCGACGAGTCAAACAAG[C>A]CAATCCTGCTGCCCAATGAGGTAGGCGTGGCCTCCCTCTCCTGCATCCGCTGGAGCTGTG-3'
Protein context (NP_000539.2, residues 1507-1527): SPFFGDESNK[Pro1517Thr]ILLPNESQSF